The following is an entry in ClinVar:

NM_000257.4(MYH7):c.4962G>T (p.Gln1654His)

Genes: MHRT (myosin heavy chain associated RNA transcript; plus strand), MYH7 (myosin heavy chain 7; minus strand), LOC126861897 (BRD4-independent group 4 enhancer GRCh37_chr14:23884455-23885654; plus strand). Cytogenetic location: 14q11.2.
Variant type: single nucleotide variant.
Coding change: c.4962G>T on transcript NM_000257.4 (MANE Select); coding-DNA position 4962, G replaced by T.
Protein change: p.Gln1654His; replaces glutamine 1654 with histidine.
Molecular consequence: missense variant. On other transcripts: non-coding transcript variant (1).
Genome position (GRCh38, 1-based): chr14:23,415,824, C>A on the plus strand (G>T on the coding strand, the complement: MYH7 is on the minus strand). VCF-style: chr14-23415824-C-A. GRCh37 (hg19) VCF-style: chr14-23885033-C-A.
Other names: c.4962G>T, p.Gln1654His (NM_001407004.1); short protein forms Q1654H.
Identifiers: ClinVar variation 4781505 (VCV004781505.2).
Genomic context (GRCh38, chr14:23,415,824, plus strand): 5'-CACGATGGCGATGTTCTCCTTCAGGTCGTCGTTGGCACGGACTGCATCGTCCAGCTGAAT[C>A]TGGGTGTCCTGAGGATCAGGAGAGTGGGCATGAGCAGGGAGCCAGCCTCGGTTCCCTTCA-3'
Protein context (NP_000248.2, residues 1644-1664): KSLQSLLKDT[Gln1654His]IQLDDAVRAN

ClinVar aggregate classification (germline): Uncertain significance. Review status: criteria provided, multiple submitters, no conflicts (2 of 4 stars). 2 submissions from 2 submitters: Uncertain significance (2). Last evaluated 2026-07-06.

Conditions:
Cardiovascular phenotype. Identifiers: MedGen CN230736.
Hypertrophic cardiomyopathy. Also called: HYPERTROPHIC MYOCARDIOPATHY. Identifiers: Orphanet 217569, MedGen C0007194, MeSH D002312, MONDO:0005045, HP:0001639.

Submissions (2):

Ambry Genetics
Classification: Uncertain significance for Cardiovascular phenotype. Last evaluated: 2026-07-06. Review status: criteria provided, single submitter. Criteria: Ambry Variant Classification Scheme 2023. Collection method: clinical testing. Allele origin: germline.
Comment: The p.Q1654H variant (also known as c.4962G>T), located in coding exon 33 of the MYH7 gene, results from a G to T substitution at nucleotide position 4962. The glutamine at codon 1654 is replaced by histidine, an amino acid with highly similar properties. This amino acid position is conserved. In addition, the in silico prediction for this alteration is inconclusive. Based on the available evidence, the clinical significance of this variant remains unclear.

Labcorp Genetics (formerly Invitae), Labcorp
Classification: Uncertain significance for Hypertrophic cardiomyopathy. Last evaluated: 2025-07-08. Review status: criteria provided, single submitter. Criteria: Invitae Variant Classification Sherloc (09022015). Collection method: clinical testing. Allele origin: germline.
Comment: This sequence change replaces glutamine, which is neutral and polar, with histidine, which is basic and polar, at codon 1654 of the MYH7 protein (p.Gln1654His). This variant is not present in population databases (gnomAD no frequency). This variant has not been reported in the literature in individuals affected with MYH7-related conditions. Invitae Evidence Modeling of protein sequence and biophysical properties (such as structural, functional, and spatial information, amino acid conservation, physicochemical variation, residue mobility, and thermodynamic stability) indicates that this missense variant is expected to disrupt MYH7 protein function with a positive predictive value of 95%. In summary, the available evidence is currently insufficient to determine the role of this variant in disease. Therefore, it has been classified as a Variant of Uncertain Significance.